The following is an entry in ClinVar:

NM_002715.4(PPP2CA):c.696_697insA (p.Gly233fs)

Gene: PPP2CA (protein phosphatase 2 catalytic subunit alpha; minus strand). Cytogenetic location: 5q31.1.
Variant type: Insertion.
Coding change: c.696_697insA on transcript NM_002715.4 (MANE Select); coding-DNA positions 696 to 697, A inserted.
Protein change: p.Gly233fs; shifts the reading frame from glycine 233.
Molecular consequence: frameshift variant. On other transcripts: non-coding transcript variant (1).
Genome position: GRCh38 VCF-style: chr5-134200376-C-CT. GRCh37 (hg19) VCF-style: chr5-133536067-C-CT.
Other names: c.501_502insA, p.Gly168fs (NM_001355019.2); short protein forms G168fs, G233fs.
Identifiers: ClinVar variation 1705530 (VCV001705530.1), dbSNP rs2481048560, ClinGen allele CA2580072734.

ClinVar aggregate classification (germline): Likely pathogenic (1 of 4 stars; one submission).

Conditions:
Houge-Janssens syndrome 3. Also called: NEURODEVELOPMENTAL DISORDER AND LANGUAGE DELAY WITH OR WITHOUT STRUCTURAL BRAIN ABNORMALITIES. Identifiers: MedGen C5193048, MONDO:0032697, OMIM 618354.

Submission:

3billion
Classification: Likely pathogenic for Houge-Janssens syndrome 3. Last evaluated: 2022-09-01. Review status: criteria provided, single submitter. Criteria: ACMG Guidelines, 2015. Collection method: clinical testing. Allele origin: germline. Affected: yes. Observed: 1 heterozygote.
Comment: The variant is not observed in the gnomAD v2.1.1 dataset. Frameshift variant is predicted to result in a loss or disruption of normal protein function through nonsense-mediated decay (NMD) or protein truncation. A pathogenic variant is reported downstream of the variant. Therefore, this variant is classified as Likely pathogenic according to the recommendation of ACMG/AMP guideline.